The following is an entry in ClinVar:

NM_052947.4(ALPK2):c.3664T>C (p.Ser1222Pro)

Genes: ALPK2 (alpha kinase 2; minus strand), LOC126862764 (BRD4-independent group 4 enhancer GRCh37_chr18:56202574-56203773; plus strand). Cytogenetic location: 18q21.31.
Variant type: single nucleotide variant.
Coding change: c.3664T>C on transcript NM_052947.4 (MANE Select); coding-DNA position 3664, T replaced by C.
Protein change: p.Ser1222Pro; replaces serine 1222 with proline.
Molecular consequence: missense variant.
Genome position (GRCh38, 1-based): chr18:58,536,523, A>G on the plus strand (T>C on the coding strand, the complement: ALPK2 is on the minus strand). VCF-style: chr18-58536523-A-G. GRCh37 (hg19) VCF-style: chr18-56203755-A-G.
Other names: short protein forms S1222P.
Identifiers: ClinVar variation 1733713 (VCV001733713.2), dbSNP rs2518876150, ClinGen allele CA402566134.

ClinVar aggregate classification (germline): Uncertain significance (1 of 4 stars; one submission).

Allele frequency attached by ClinVar (database versions not stated): gnomAD exomes below 0.00001.
gnomAD v4.1: 1 of 1,613,516 alleles (0.000062%); highest among the groups gnomAD compares: South Asian, 0.0011%; no homozygotes.

Submission:

Ambry Genetics
Classification: Uncertain significance. Last evaluated: 2022-04-23. Review status: criteria provided, single submitter. Criteria: Ambry Variant Classification Scheme 2023. Collection method: clinical testing. Allele origin: germline.
Comment: The p.S1222P variant (also known as c.3664T>C), located in coding exon 4 of the ALPK2 gene, results from a T to C substitution at nucleotide position 3664. The serine at codon 1222 is replaced by proline, an amino acid with similar properties. This amino acid position is conserved. In addition, this alteration is predicted to be tolerated by in silico analysis. Since supporting evidence is limited at this time, the clinical significance of this alteration remains unclear.